The following is an entry in ClinVar:

NM_175614.5(NDUFA11):c.8C>T (p.Pro3Leu)

Genes: NDUFA11 (NADH:ubiquinone oxidoreductase subunit A11; minus strand), LOC112552175 (Sharpr-MPRA regulatory region 9916; plus strand). Cytogenetic location: 19p13.3.
Variant type: single nucleotide variant.
Coding change: c.8C>T on transcript NM_175614.5 (MANE Select); coding-DNA position 8, C replaced by T.
Protein change: p.Pro3Leu; replaces proline 3 with leucine.
Molecular consequence: missense variant. On other transcripts: non-coding transcript variant (1).
Genome position (GRCh38, 1-based): chr19:5,903,701, G>A on the plus strand (C>T on the coding strand, the complement: NDUFA11 is on the minus strand). VCF-style: chr19-5903701-G-A. GRCh37 (hg19) VCF-style: chr19-5903712-G-A.
Other names: c.8C>T, p.Pro3Leu (NM_001193375.3); short protein forms P3L.
Identifiers: ClinVar variation 1919798 (VCV001919798.5), dbSNP rs2512874236, ClinGen allele CA403545730.

ClinVar aggregate classification (germline): Uncertain significance (1 of 4 stars; one submission).

gnomAD v4.1: 3 of 1,551,470 alleles (0.00019%); highest among the groups gnomAD compares: East Asian, 0.0024%; no homozygotes.

Submission:

Labcorp Genetics (formerly Invitae), Labcorp
Classification: Uncertain significance. Last evaluated: 2022-04-05. Review status: criteria provided, single submitter. Criteria: Invitae Variant Classification Sherloc (09022015). Collection method: clinical testing. Allele origin: germline.
Comment: In summary, the available evidence is currently insufficient to determine the role of this variant in disease. Therefore, it has been classified as a Variant of Uncertain Significance. Algorithms developed to predict the effect of missense changes on protein structure and function (SIFT, PolyPhen-2, Align-GVGD) all suggest that this variant is likely to be tolerated. This variant has not been reported in the literature in individuals affected with NDUFA11-related conditions. This variant is not present in population databases (gnomAD no frequency). This sequence change replaces proline, which is neutral and non-polar, with leucine, which is neutral and non-polar, at codon 3 of the NDUFA11 protein (p.Pro3Leu).